The following is an entry in ClinVar:

NM_025179.4(PLXNA2):c.3765C>T (p.Ile1255=)

Gene: PLXNA2 (plexin A2; minus strand). Cytogenetic location: 1q32.2.
Variant type: single nucleotide variant.
Coding change: c.3765C>T on transcript NM_025179.4 (MANE Select); coding-DNA position 3765, C replaced by T.
Protein change: p.Ile1255=; no amino-acid change (isoleucine 1255 retained).
Molecular consequence: synonymous variant.
Genome position (GRCh38, 1-based): chr1:208,044,617, G>A on the plus strand (C>T on the coding strand, the complement: PLXNA2 is on the minus strand). VCF-style: chr1-208044617-G-A. GRCh37 (hg19) VCF-style: chr1-208217962-G-A.
Other names: c.3765C>T (NM_025179.3).
Identifiers: ClinVar variation 2080874 (VCV002080874.6), dbSNP rs139061737, ClinGen allele CA1373075.

ClinVar aggregate classification (germline): Likely benign. Review status: criteria provided, single submitter (1 of 4 stars). 2 submissions from 2 submitters: Likely benign (1). 1 of the submissions does not count toward it. Last evaluated 2023-08-04.

Conditions:
PLXNA2-related disorder. Also called: PLXNA2-related condition.

Allele frequency attached by ClinVar (database versions not stated): gnomAD 0.00004; ExAC 0.00005; ESP Exome Variant Server 0.00015.
gnomAD v4.1: 85 of 1,613,936 alleles (0.0053%); highest among the groups gnomAD compares: Non-Finnish European, 0.0064%; no homozygotes.

Submissions (2):

Labcorp Genetics (formerly Invitae), Labcorp
Classification: Likely benign. Last evaluated: 2023-08-04. Review status: criteria provided, single submitter. Criteria: Invitae Variant Classification Sherloc (09022015). Collection method: clinical testing. Allele origin: germline.

PreventionGenetics, part of Exact Sciences
Classification: Likely benign for PLXNA2-related condition. Last evaluated: 2021-07-12. Review status: no assertion criteria provided. Collection method: clinical testing. Allele origin: germline. Not counted in ClinVar's aggregate classification.
Comment: This variant is classified as likely benign based on ACMG/AMP sequence variant interpretation guidelines (Richards et al. 2015 PMID: 25741868, with internal and published modifications).